The following is an entry in ClinVar:

ClinVar aggregate classification (germline): Uncertain significance (1 of 4 stars; one submission).

gnomAD v4.1: 3 of 1,613,888 alleles (0.00019%); highest among the groups gnomAD compares: Admixed American, 0.0017%; no homozygotes.

Submission:

CeGaT Center for Human Genetics Tuebingen
Classification: Uncertain significance. Last evaluated: 2025-09-01. Review status: criteria provided, single submitter. Criteria: CeGaT Center For Human Genetics Tuebingen Variant Classification Criteria Version 2. Collection method: clinical testing. Allele origin: germline. Affected: yes. Observed: 1 variant allele.
Comment: SETBP1: PM2

NM_015559.3(SETBP1):c.2540C>T (p.Ser847Phe)

Gene: SETBP1 (SET binding protein 1; plus strand). Cytogenetic location: 18q12.3.
Variant type: single nucleotide variant.
Coding change: c.2540C>T on transcript NM_015559.3 (MANE Select); coding-DNA position 2540, C replaced by T.
Protein change: p.Ser847Phe; replaces serine 847 with phenylalanine.
Molecular consequence: missense variant.
Genome position (GRCh38, 1-based): chr18:44,951,880, C>T. VCF-style: chr18-44951880-C-T. GRCh37 (hg19) VCF-style: chr18-42531845-C-T.
Other names: c.2540C>T, p.Ser847Phe (NM_001379141.1, NM_001379142.1, NM_001410862.1); short protein forms S847F.
Identifiers: ClinVar variation 4281131 (VCV004281131.7).